The following is an entry in ClinVar:

ClinVar aggregate classification (germline): Uncertain significance (1 of 4 stars; one submission).

Allele frequency attached by ClinVar (database versions not stated): gnomAD 0.00001; ExAC 0.00002; TOPMed 0.00002.
gnomAD v4.1: 12 of 1,612,648 alleles (0.00074%); highest among the groups gnomAD compares: African/African-American, 0.0053%; no homozygotes.

Submission:

Labcorp Genetics (formerly Invitae), Labcorp
Classification: Uncertain significance. Last evaluated: 2022-04-08. Review status: criteria provided, single submitter. Criteria: Invitae Variant Classification Sherloc (09022015). Collection method: clinical testing. Allele origin: germline.
Comment: This sequence change replaces alanine, which is neutral and non-polar, with valine, which is neutral and non-polar, at codon 265 of the POP1 protein (p.Ala265Val). In summary, the available evidence is currently insufficient to determine the role of this variant in disease. Therefore, it has been classified as a Variant of Uncertain Significance. Algorithms developed to predict the effect of missense changes on protein structure and function (SIFT, PolyPhen-2, Align-GVGD) all suggest that this variant is likely to be tolerated. This variant has not been reported in the literature in individuals affected with POP1-related conditions. This variant is present in population databases (rs747730830, gnomAD 0.02%).

NM_001145860.2(POP1):c.794C>T (p.Ala265Val)

Gene: POP1 (POP1 homolog, ribonuclease P/MRP subunit; plus strand). Cytogenetic location: 8q22.2.
Variant type: single nucleotide variant.
Coding change: c.794C>T on transcript NM_001145860.2 (MANE Select); coding-DNA position 794, C replaced by T.
Protein change: p.Ala265Val; replaces alanine 265 with valine.
Molecular consequence: missense variant.
Genome position (GRCh38, 1-based): chr8:98,134,007, C>T. VCF-style: chr8-98134007-C-T. GRCh37 (hg19) VCF-style: chr8-99146235-C-T.
Other names: c.794C>T, p.Ala265Val (NM_001145861.2, NM_015029.3); short protein forms A265V.
Identifiers: ClinVar variation 2421564 (VCV002421564.5), dbSNP rs747730830, ClinGen allele CA4820410.
Genomic context (GRCh38, chr8:98,134,007, plus strand): 5'-AGGATTTATCCTATTACTGTTGTTTGGAGTTGAAAGGCAAAGAGGAAGAAATACTAAAGG[C>T]GCTTTCTGGAATGTGTAACATAGACACAGGTAAACTTGTTTTAAAGCTGAGTTCTATTTT-3'
Protein context (NP_001139332.1, residues 255-275): LKGKEEEILK[Ala265Val]LSGMCNIDTG